The following is an entry in ClinVar:

NM_000152.5(GAA):c.1336_1356dup (p.Ile446_Ala452dup)

Gene: GAA (alpha glucosidase; plus strand). Cytogenetic location: 17q25.3.
Variant type: Duplication.
Coding change: c.1336_1356dup on transcript NM_000152.5 (MANE Select); coding-DNA positions 1336 to 1356, 21 bases duplicated (ATCAGCAGCTCGGGCCCTGCC).
Protein change: p.Ile446_Ala452dup.
Molecular consequence: inframe insertion.
Genome position (GRCh38, 1-based): chr17:80,109,954-80,109,974, ATCAGCAGCTCGGGCCCTGCC duplicated; duplicating any 21 consecutive bases within chr17:80,109,948-80,109,974 gives the same sequence; the c. name uses the placement nearest the transcript's 3' end. VCF-style (leftmost placement, unchanged base first): chr17-80109947-T-TCCTGCCATCAGCAGCTCGGGC. GRCh37 (hg19) VCF-style: chr17-78083746-T-TCCTGCCATCAGCAGCTCGGGC.
Other names: c.1336_1356dup (LRG_673t1); c.1336_1356dup, p.Ile446_Ala452dup (NM_001079803.3, NM_001079804.3).
Identifiers: ClinVar variation 556985 (VCV000556985.6), dbSNP rs1555600488, ClinGen allele CA658824782.
Genomic context (GRCh38, chr17:80,109,947, plus strand): 5'-CGTGGCTGGCGCCAGGGCTCTGGGCCACCCTCACCTTGACAGGTTTCCCTCTTCCCAGGA[T>TCCTGCCATCAGCAGCTCGGGC]CCTGCCATCAGCAGCTCGGGCCCTGCCGGGAGCTACAGGCCCTACGACGAGGGTCTGCGG-3'

ClinVar aggregate classification (germline): Uncertain significance. Review status: reviewed by expert panel (3 of 4 stars). 2 submissions from 2 submitters: Uncertain significance (1). 1 of the submissions does not count toward it. Last evaluated 2024-06-17.

Conditions:
Glycogen storage disease, type II (IOPD). Also called: CARDIOMEGALIA GLYCOGENICA DIFFUSA; POMPE DISEASE, INFANTILE-ONSET; GLYCOGEN STORAGE DISEASE II, INFANTILE-ONSET; ACID ALPHA-GLUCOSIDASE DEFICIENCY, INFANTILE-ONSET; GAA DEFICIENCY, INFANTILE-ONSET; ACID MALTASE DEFICIENCY, INFANTILE-ONSET. Identifiers: Orphanet 365, MedGen C0017921, MONDO:0009290, OMIM 232300.

Submissions (2):

ClinGen Lysosomal Storage Disorder Variant Curation Expert Panel
Classification: Uncertain significance for Glycogen storage disease, type II. Last evaluated: 2024-06-17. Review status: reviewed by expert panel. Criteria: clingen_lsd_acmg_specifications_v2-1. Collection method: curation. Allele origin: germline. Inheritance: Autosomal recessive inheritance.
Comment: The NM_000152.5:c.1336_1356dup variant in GAA is predicted to cause a change in the length of the protein (p.Ile446_Ala452dup) due to an in-frame duplication of 7 amino acids in a non-repeat region (PM4). The variant is absent in gnomAD v2.1.1 (PM2_Supporting). To our knowledge, this variant has not been reported in the literature in individuals with Pompe disease, and results of experimental studies are not available. Computational evidence is conflicting; PROVEAN predicts that the variant will impact the function of GAA, while Mutation Taster predicts no impact. As a result, neither PP4 nor BP4 can be applied. There is a ClinVar entry for this variant (Variation ID: 556985). In summary, this variant meets the criteria to be classified as a variant of uncertain significance for Pompe disease. GAA-specific ACMG/AMP criteria applied, as specified by the ClinGen Lysosomal Diseases VCEP (Specifications Version 2.0): PM4, PM2_Supporting. (Classification approved by the ClinGen Lysosomal Diseases VCEP on June 17, 2024)

Counsyl
Classification: Uncertain significance for Glycogen storage disease, type II. Last evaluated: 2018-03-02. Review status: no assertion criteria provided. Collection method: clinical testing. Allele origin: unknown. Not counted in ClinVar's aggregate classification.